The following is an entry in ClinVar:

ClinVar aggregate classification (germline): Uncertain significance (1 of 4 stars; one submission).

gnomAD v4.1: 5 of 1,613,674 alleles (0.00031%); highest among the groups gnomAD compares: African/African-American, 0.0013%; no homozygotes.

Submission:

Women's Health and Genetics/Laboratory Corporation of America, LabCorp
Classification: Uncertain significance. Last evaluated: 2025-11-17. Review status: criteria provided, single submitter. Criteria: LabCorp Variant Classification Summary - May 2015. Collection method: clinical testing. Allele origin: germline.
Comment: Variant summary: DCAF8 c.1772G>A (p.Arg591Gln) results in a conservative amino acid change in the encoded protein sequence. Algorithms developed to predict the effect of missense changes on protein structure and function are either unavailable or do not agree on the potential impact of this missense change. The variant allele was found at a frequency of 8e-06 in 250728 control chromosomes. The available data on variant occurrences in the general population are insufficient to allow any conclusion about variant significance. To our knowledge, no occurrence of c.1772G>A in individuals affected with DCAF8-related conditions and no experimental evidence demonstrating its impact on protein function have been reported. No submitters have cited clinical-significance assessments for this variant to ClinVar. Based on the evidence outlined above, the variant was classified as uncertain significance.

NM_015726.4(DCAF8):c.1772G>A (p.Arg591Gln)

Gene: DCAF8 (DDB1 and CUL4 associated factor 8; minus strand). Cytogenetic location: 1q23.2.
Variant type: single nucleotide variant.
Coding change: c.1772G>A on transcript NM_015726.4 (MANE Select); coding-DNA position 1772, G replaced by A.
Protein change: p.Arg591Gln; replaces arginine 591 with glutamine.
Molecular consequence: missense variant. On other transcripts: non-coding transcript variant (2).
Genome position (GRCh38, 1-based): chr1:160,217,614, C>T on the plus strand (G>A on the coding strand, the complement: DCAF8 is on the minus strand). VCF-style: chr1-160217614-C-T. GRCh37 (hg19) VCF-style: chr1-160187404-C-T.
Other names: short protein forms R591Q.
Identifiers: ClinVar variation 4536651 (VCV004536651.1).